The following is an entry in ClinVar:

NM_006421.5(ARFGEF1):c.4447G>T (p.Ala1483Ser)

Gene: ARFGEF1 (ARF guanine nucleotide exchange factor 1; minus strand). Cytogenetic location: 8q13.2.
Variant type: single nucleotide variant.
Coding change: c.4447G>T on transcript NM_006421.5 (MANE Select); coding-DNA position 4447, G replaced by T.
Protein change: p.Ala1483Ser; replaces alanine 1483 with serine.
Molecular consequence: missense variant. On other transcripts: non-coding transcript variant (1).
Genome position (GRCh38, 1-based): chr8:67,218,030, C>A on the plus strand (G>T on the coding strand, the complement: ARFGEF1 is on the minus strand). VCF-style: chr8-67218030-C-A. GRCh37 (hg19) VCF-style: chr8-68130265-C-A.
Other names: NC_000008.10:g.68130265C>A; c.4447G>T, p.Ala1483Ser (NM_001413184.1, NM_001413185.1, NM_001413186.1 and 5 more transcripts); c.3847G>T, p.Ala1283Ser (NM_001413188.1, NM_001413193.1, NM_001413197.1); c.4441G>T, p.Ala1481Ser (NM_001413190.1); c.3022G>T, p.Ala1008Ser (NM_001413196.1); short protein forms A1008S, A1283S, A1481S, A1483S.
Identifiers: ClinVar variation 3239001 (VCV003239001.20), dbSNP rs142342517.

ClinVar aggregate classification (germline): Benign (1 of 4 stars; one submission).

Allele frequency attached by ClinVar (database versions not stated): 1000 Genomes Project 30x 0.00156; 1000 Genomes Project 0.00160; TOPMed 0.00366; gnomAD 0.00477; ExAC 0.00481; gnomAD exomes 0.00628; ESP Exome Variant Server 0.00669.
gnomAD v4.1: 9,781 of 1,610,474 alleles (0.61%); highest among the groups gnomAD compares: Non-Finnish European, 0.71%; 48 homozygotes.

Submissions (7):

CeGaT Center for Human Genetics Tuebingen
Classification: Benign. Last evaluated: 2026-09-01. Review status: criteria provided, single submitter. Criteria: CeGaT Center For Human Genetics Tuebingen Variant Classification Criteria Version 2. Collection method: clinical testing. Allele origin: germline. Affected: yes. Observed: 22 variant alleles.
Comment: ARFGEF1: BS1, BS2

Dr. Peter K. Rogan Lab, Western University
No classification provided (evidence only). Condition: Melanoma. Review status: no classification provided. Collection method: in vitro. Allele origin: not applicable. Functional consequence: retained intron. Not counted in ClinVar's aggregate classification.

Dr. Peter K. Rogan Lab, Western University
No classification provided (evidence only). Condition: Acute myeloid leukemia. Review status: no classification provided. Collection method: in vitro. Allele origin: not applicable. Functional consequence: retained intron. Not counted in ClinVar's aggregate classification.

Dr. Peter K. Rogan Lab, Western University
No classification provided (evidence only). Condition: Colorectal cancer. Review status: no classification provided. Collection method: in vitro. Allele origin: not applicable. Functional consequence: retained intron. Not counted in ClinVar's aggregate classification.

Dr. Peter K. Rogan Lab, Western University
No classification provided (evidence only). Condition: Nonpapillary renal cell carcinoma. Review status: no classification provided. Collection method: in vitro. Allele origin: not applicable. Functional consequence: retained intron. Not counted in ClinVar's aggregate classification.

Dr. Peter K. Rogan Lab, Western University
No classification provided (evidence only). Condition: Thymoma. Review status: no classification provided. Collection method: in vitro. Allele origin: not applicable. Functional consequence: retained intron. Not counted in ClinVar's aggregate classification.

Dr. Peter K. Rogan Lab, Western University
No classification provided (evidence only). Condition: Ovarian serous cystadenocarcinoma. Review status: no classification provided. Collection method: in vitro. Allele origin: not applicable. Functional consequence: retained intron. Not counted in ClinVar's aggregate classification.